The following is an entry in ClinVar:

NM_006084.5(IRF9):c.218A>G (p.Asp73Gly)

Gene: IRF9 (interferon regulatory factor 9; plus strand). Cytogenetic location: 14q12.
Variant type: single nucleotide variant.
Coding change: c.218A>G on transcript NM_006084.5 (MANE Select); coding-DNA position 218, A replaced by G.
Protein change: p.Asp73Gly; replaces aspartic acid 73 with glycine.
Molecular consequence: missense variant.
Genome position (GRCh38, 1-based): chr14:24,163,003, A>G. VCF-style: chr14-24163003-A-G. GRCh37 (hg19) VCF-style: chr14-24632212-A-G.
Other names: c.218A>G, p.Asp73Gly (NM_001385400.1, NM_001385401.1, NM_001385402.1); short protein forms D73G.
Identifiers: ClinVar variation 4725030 (VCV004725030.1).

ClinVar aggregate classification (germline): Uncertain significance (1 of 4 stars; one submission).

gnomAD v4.1: 1 of 1,613,870 alleles (0.000062%); highest among the groups gnomAD compares: East Asian, 0.0022%; no homozygotes.

Submission:

Labcorp Genetics (formerly Invitae), Labcorp
Classification: Uncertain significance. Last evaluated: 2025-09-24. Review status: criteria provided, single submitter. Criteria: Invitae Variant Classification Sherloc (09022015). Collection method: clinical testing. Allele origin: germline.
Comment: This sequence change replaces aspartic acid, which is acidic and polar, with glycine, which is neutral and non-polar, at codon 73 of the IRF9 protein (p.Asp73Gly). This variant is not present in population databases (gnomAD no frequency). This variant has not been reported in the literature in individuals affected with IRF9-related conditions. An algorithm developed to predict the effect of missense changes on protein structure and function (PolyPhen-2) suggests that this variant is likely to be disruptive. In summary, the available evidence is currently insufficient to determine the role of this variant in disease. Therefore, it has been classified as a Variant of Uncertain Significance.